The following is an entry in ClinVar:

ClinVar aggregate classification (germline): Likely pathogenic (1 of 4 stars; one submission).

Conditions:
Oculocutaneous albinism type 1A (OCA1A). Also called: Albinism, oculocutaneous, type IA. Identifiers: Orphanet 352731, Orphanet 79431, MedGen C4551504, MONDO:0008745, OMIM 203100. Disease mechanism: loss of function.

Submission:

Molecular Genetics, University Hospital Bordeaux
Classification: Likely pathogenic for Oculocutaneous albinism type 1A. Last evaluated: 2024-08-05. Review status: criteria provided, single submitter. Criteria: ACMG Guidelines, 2015. Collection method: clinical testing. Allele origin: inherited. Affected: yes. Observed: 3 variant alleles. Clinical features observed: skin and hair hypopigmentation, foveal hypoplasia, retinal hypopigmentation, iris transillumination.
Comment: This deletion has not been described previously, neither in the literature nor in public databases. It deletes a large genomic segment immediately upstream of the TYR promoter, which contains an ENCODE-annotated enhancer. This enhancer was tested in a luciferase reporter assay showing that it increased luciferase expression compared to the empty vector. Finally this deletion was found in two sibs with oculocutaneous albinism in trans to a pathogenic variant (phase established by parental transmission study).

NC_000011.9:g.89110945_89175769del

Genes: NOX4 (NADPH oxidase 4; minus strand), TYR (tyrosinase; plus strand). Cytogenetic location: 11q14.3.
Variant type: Deletion.
Identifiers: ClinVar variation 3338042 (VCV003338042.1).